The following is an entry in ClinVar:

ClinVar aggregate classification (germline): Pathogenic. Review status: criteria provided, multiple submitters, no conflicts (2 of 4 stars). 2 submissions from 2 submitters: Pathogenic (2). Last evaluated 2021-04-13.

Conditions:
CHD7-related disorder. Also called: CHD7-related condition.
CHARGE syndrome (CHARGE). Also called: Coloboma, heart anomaly, choanal atresia, retardation, genital and ear anomalies; CHARGE association; Hall-Hittner syndrome; Hittner Hirsch Kreh syndrome; CHARGE ASSOCIATION--COLOBOMA, HEART ANOMALY, CHOANAL ATRESIA, RETARDATION, GENITAL AND EAR ANOMALIES. Identifiers: Orphanet 138, MedGen C0265354, MONDO:0008965.

Submissions (2):

Blueprint Genetics
Classification: Pathogenic for CHD7-related disorders. Last evaluated: 2021-04-13. Review status: criteria provided, single submitter. Criteria: ACMG Guidelines, 2015. Collection method: clinical testing. Allele origin: germline. Affected: yes. Observed: 1 variant allele.

HudsonAlpha Institute for Biotechnology
Classification: Pathogenic for CHD7-related CHARGE syndrome. Last evaluated: 2019-07-09. Review status: criteria provided, single submitter. Criteria: ACMG Guidelines, 2015. Collection method: research. Allele origin: de novo. Affected: yes. Observed: 1 variant allele. Study: CSER-SouthSeq.
Comment: ACMG codes: PM1, PM2, PP3, PP4, PP5

NM_017780.4(CHD7):c.4185+1G>A

Gene: CHD7 (chromodomain helicase DNA binding protein 7; plus strand). Cytogenetic location: 8q12.2.
Variant type: single nucleotide variant.
Coding change: c.4185+1G>A on transcript NM_017780.4 (MANE Select); the canonical splice donor site of the intron after coding-DNA position 4185, G replaced by A.
Molecular consequence: splice donor variant. On other transcripts: intron variant (1).
Genome position (GRCh38, 1-based): chr8:60,837,013, G>A. VCF-style: chr8-60837013-G-A. GRCh37 (hg19) VCF-style: chr8-61749572-G-A.
Other names: c.1717-25216G>A (NM_001316690.1).
Identifiers: ClinVar variation 689639 (VCV000689639.3), dbSNP rs1586418093, ClinGen allele CA371317161.